The following is an entry in ClinVar:

NM_032608.7(MYO18B):c.449G>T (p.Arg150Met)

Gene: MYO18B (myosin XVIIIB; plus strand). Cytogenetic location: 22q12.1.
Variant type: single nucleotide variant.
Coding change: c.449G>T on transcript NM_032608.7 (MANE Select); coding-DNA position 449, G replaced by T.
Protein change: p.Arg150Met; replaces arginine 150 with methionine.
Molecular consequence: missense variant.
Genome position (GRCh38, 1-based): chr22:25,768,365, G>T. VCF-style: chr22-25768365-G-T. GRCh37 (hg19) VCF-style: chr22-26164332-G-T.
Other names: c.449G>T, p.Arg150Met (NM_001318245.2); short protein forms R150M.
Identifiers: ClinVar variation 2989653 (VCV002989653.3), dbSNP rs761124245, ClinGen allele CA10159587.

ClinVar aggregate classification (germline): Uncertain significance (1 of 4 stars; one submission).

Allele frequency attached by ClinVar (database versions not stated): gnomAD exomes below 0.00001; gnomAD 0.00001; ExAC 0.00002.
gnomAD v4.1: 6 of 1,613,746 alleles (0.00037%); highest among the groups gnomAD compares: Non-Finnish European, 0.00051%; no homozygotes.

Submission:

Labcorp Genetics (formerly Invitae), Labcorp
Classification: Uncertain significance. Last evaluated: 2023-12-07. Review status: criteria provided, single submitter. Criteria: Invitae Variant Classification Sherloc (09022015). Collection method: clinical testing. Allele origin: germline.
Comment: This sequence change replaces arginine, which is basic and polar, with methionine, which is neutral and non-polar, at codon 150 of the MYO18B protein (p.Arg150Met). The frequency data for this variant in the population databases is considered unreliable, as metrics indicate poor data quality at this position in the gnomAD database. This variant has not been reported in the literature in individuals affected with MYO18B-related conditions. An algorithm developed to predict the effect of missense changes on protein structure and function (PolyPhen-2) suggests that this variant is likely to be disruptive. In summary, the available evidence is currently insufficient to determine the role of this variant in disease. Therefore, it has been classified as a Variant of Uncertain Significance.